The following is an entry in ClinVar:

NM_002878.4(RAD51D):c.272A>G (p.Lys91Arg)

Genes: RAD51D (RAD51 paralog D; minus strand), RAD51L3-RFFL (RAD51L3-RFFL readthrough; minus strand). Cytogenetic location: 17q12.
Variant type: single nucleotide variant.
Coding change: c.272A>G on transcript NM_002878.4 (MANE Select); coding-DNA position 272, A replaced by G.
Protein change: p.Lys91Arg; replaces lysine 91 with arginine.
Molecular consequence: missense variant. On other transcripts: non-coding transcript variant (2), intron variant (1).
Genome position (GRCh38, 1-based): chr17:35,107,439, T>C on the plus strand (A>G on the coding strand, the complement: RAD51D is on the minus strand). VCF-style: chr17-35107439-T-C. GRCh37 (hg19) VCF-style: chr17-33434458-T-C.
Other names: c.332A>G, p.Lys111Arg (NM_001142571.2); c.145-958A>G (NM_133629.3); short protein forms K91R, K111R.
Identifiers: ClinVar variation 3648647 (VCV003648647.2).
Genomic context (GRCh38, chr17:35,107,439, plus strand): 5'-CTACCTGGGCCTCCTACAATTTCAGTCACTTCTCCAGTATAGAGACCAGCATCAAGCAGT[T>C]TATCAAGACTGATGGCAGAAGAGAAGAAAATCAACACAAGAGGTTAGGAGGAAGACAGGG-3'
Protein context (NP_002869.3, residues 81-101): ILSTGIGSLD[Lys91Arg]LLDAGLYTGE

ClinVar aggregate classification (germline): Uncertain significance (1 of 4 stars; one submission).

Conditions:
Breast-ovarian cancer, familial, susceptibility to, 4. Identifiers: Orphanet 145, MedGen C3280345, MONDO:0013669, OMIM 614291.

Submission:

Labcorp Genetics (formerly Invitae), Labcorp
Classification: Uncertain significance for Breast-ovarian cancer, familial, susceptibility to, 4. Last evaluated: 2024-04-03. Review status: criteria provided, single submitter. Criteria: Invitae Variant Classification Sherloc (09022015). Collection method: clinical testing. Allele origin: germline.
Comment: This sequence change replaces lysine, which is basic and polar, with arginine, which is basic and polar, at codon 91 of the RAD51D protein (p.Lys91Arg). This variant is not present in population databases (gnomAD no frequency). This variant has not been reported in the literature in individuals affected with RAD51D-related conditions. Advanced modeling of protein sequence and biophysical properties (such as structural, functional, and spatial information, amino acid conservation, physicochemical variation, residue mobility, and thermodynamic stability) performed at Invitae indicates that this missense variant is not expected to disrupt RAD51D protein function with a negative predictive value of 80%. In summary, the available evidence is currently insufficient to determine the role of this variant in disease. Therefore, it has been classified as a Variant of Uncertain Significance.